The following is an entry in ClinVar:

NM_024642.5(GALNT12):c.301C>T (p.His101Tyr)

Gene: GALNT12 (polypeptide N-acetylgalactosaminyltransferase 12; plus strand). Cytogenetic location: 9q22.33.
Variant type: single nucleotide variant.
Coding change: c.301C>T on transcript NM_024642.5 (MANE Select); coding-DNA position 301, C replaced by T.
Protein change: p.His101Tyr; replaces histidine 101 with tyrosine.
Molecular consequence: missense variant.
Genome position (GRCh38, 1-based): chr9:98,807,999, C>T. VCF-style: chr9-98807999-C-T. GRCh37 (hg19) VCF-style: chr9-101570281-C-T.
Other names: short protein forms H101Y.
Identifiers: ClinVar variation 485672 (VCV000485672.10), dbSNP rs758541440, ClinGen allele CA5153904.
Genomic context (GRCh38, chr9:98,807,999, plus strand): 5'-GCGGTGCGGCTGCAGCTGCAGGGCGAGGAGCTGCGGCTGCAGGAGGAGAGCGTGCGGCTG[C>T]ACCAGATTAACATCTACCTCAGCGACCGCATCTCACTGCACCGCCGCCTGCCCGAGCGCT-3'
Protein context (NP_078918.3, residues 91-111): LRLQEESVRL[His101Tyr]QINIYLSDRI

ClinVar aggregate classification (germline): Uncertain significance. Review status: criteria provided, multiple submitters, no conflicts (2 of 4 stars). 2 submissions from 2 submitters: Uncertain significance (2). Last evaluated 2024-11-30.

Allele frequency attached by ClinVar (database versions not stated): ExAC below 0.00001; gnomAD exomes below 0.00001.
gnomAD v4.1: 2 of 1,546,172 alleles (0.00013%); highest among the groups gnomAD compares: Non-Finnish European, 0.00017%; no homozygotes.

Submissions (2):

Ambry Genetics
Classification: Uncertain significance. Last evaluated: 2024-11-30. Review status: criteria provided, single submitter. Criteria: Ambry Variant Classification Scheme 2023. Collection method: clinical testing. Allele origin: germline.
Comment: The p.H101Y variant (also known as c.301C>T), located in coding exon 1 of the GALNT12 gene, results from a C to T substitution at nucleotide position 301. The histidine at codon 101 is replaced by tyrosine, an amino acid with similar properties. This amino acid position is highly conserved in available vertebrate species. In addition, this alteration is predicted to be tolerated by in silico analysis. Since supporting evidence is limited at this time, the clinical significance of this alteration remains unclear.

Labcorp Genetics (formerly Invitae), Labcorp
Classification: Uncertain significance. Last evaluated: 2024-05-15. Review status: criteria provided, single submitter. Criteria: Invitae Variant Classification Sherloc (09022015). Collection method: clinical testing. Allele origin: germline.
Comment: This sequence change replaces histidine, which is basic and polar, with tyrosine, which is neutral and polar, at codon 101 of the GALNT12 protein (p.His101Tyr). This variant is not present in population databases (gnomAD no frequency). This variant has not been reported in the literature in individuals affected with GALNT12-related conditions. ClinVar contains an entry for this variant (Variation ID: 485672). Advanced modeling of protein sequence and biophysical properties (such as structural, functional, and spatial information, amino acid conservation, physicochemical variation, residue mobility, and thermodynamic stability) performed at Invitae indicates that this missense variant is not expected to disrupt GALNT12 protein function with a negative predictive value of 80%. In summary, the available evidence is currently insufficient to determine the role of this variant in disease. Therefore, it has been classified as a Variant of Uncertain Significance.